The following is an entry in ClinVar:

ClinVar aggregate classification (germline): Uncertain significance (1 of 4 stars; one submission).

Conditions:
Autosomal dominant Parkinson disease 8. Also called: Parkinson disease 8, susceptibility to; LRRK2-Related Parkinson Disease; Parkinson disease 8. Identifiers: Orphanet 411602, MedGen C1846862, MONDO:0011764, OMIM 607060.

Submission:

Labcorp Genetics (formerly Invitae), Labcorp
Classification: Uncertain significance for Autosomal dominant Parkinson disease 8. Last evaluated: 2022-05-27. Review status: criteria provided, single submitter. Criteria: Invitae Variant Classification Sherloc (09022015). Collection method: clinical testing. Allele origin: germline.
Comment: In summary, the available evidence is currently insufficient to determine the role of this variant in disease. Therefore, it has been classified as a Variant of Uncertain Significance. Variants that disrupt the consensus splice site are a relatively common cause of aberrant splicing (PMID: 17576681, 9536098). Algorithms developed to predict the effect of sequence changes on RNA splicing suggest that this variant may disrupt the consensus splice site. This variant has not been reported in the literature in individuals affected with LRRK2-related conditions. This variant is not present in population databases (gnomAD no frequency). This sequence change falls in intron 32 of the LRRK2 gene. It does not directly change the encoded amino acid sequence of the LRRK2 protein. It affects a nucleotide within the consensus splice site.

Literature cited by the submitters: PubMed 17576681; PubMed 9536098.

NM_198578.4(LRRK2):c.4738+3_4738+6del

Gene: LRRK2 (leucine rich repeat kinase 2; plus strand). Cytogenetic location: 12q12.
Variant type: Deletion.
Coding change: c.4738+3_4738+6del on transcript NM_198578.4 (MANE Select); bases 3 to 6 of the intron after coding-DNA position 4738, 4 bases deleted (TTGT; older notation c.4738+3_4738+6delTTGT).
Molecular consequence: splice donor variant.
Genome position (GRCh38, 1-based): chr12:40,314,176-40,314,179, TTGT deleted; deleting any 4 consecutive bases within chr12:40,314,174-40,314,179 gives the same sequence; the c. name uses the placement nearest the transcript's 3' end. VCF-style (leftmost placement, unchanged base first): chr12-40314173-GGTTT-G. GRCh37 (hg19) VCF-style: chr12-40707975-GGTTT-G.
Identifiers: ClinVar variation 1380698 (VCV001380698.6), dbSNP rs2136849213, ClinGen allele CA2573148533.